The following is an entry in ClinVar:

NM_002465.4(MYBPC1):c.1250G>A (p.Arg417Lys)

Genes: MYBPC1 (myosin binding protein C1; plus strand), LOC105369937 (uncharacterized LOC105369937; minus strand). Cytogenetic location: 12q23.2.
Variant type: single nucleotide variant.
Coding change: c.1250G>A on transcript NM_002465.4 (MANE Select); coding-DNA position 1250, G replaced by A.
Protein change: p.Arg417Lys; replaces arginine 417 with lysine.
Molecular consequence: missense variant.
Genome position (GRCh38, 1-based): chr12:101,649,313, G>A. VCF-style: chr12-101649313-G-A. GRCh37 (hg19) VCF-style: chr12-102043091-G-A.
Other names: c.1175G>A, p.Arg392Lys (NM_001254718.3, NM_001254719.3, NM_206820.4 and 1 more transcripts); c.1139G>A, p.Arg380Lys (NM_001254720.3); c.1118G>A, p.Arg373Lys (NM_001254721.3, NM_001404676.1, NM_001404678.1); c.1097G>A, p.Arg366Lys (NM_001254722.3, NM_001404680.1); c.1136G>A, p.Arg379Lys (NM_001254723.3); c.1250G>A, p.Arg417Lys (NM_001404675.1, NM_206819.4); c.1040G>A, p.Arg347Lys (NM_001404677.1, NM_001404679.1, NM_001404681.1); short protein forms R417K, R366K, R373K, R379K, R380K, R392K, R347K.
Identifiers: ClinVar variation 306730 (VCV000306730.39), dbSNP rs138048478, ClinGen allele CA6744757.
Genomic context (GRCh38, chr12:101,649,313, plus strand): 5'-AATTCAGGTTTAAGAATGGTGAAGAGATTATCCCTGGTCCAAAATCAAGATACCGAATTA[G>A]AGTTGAGGGTAAAAAACACATCTTGATCATAGAGGGAGCAACAAAGGCTGATGCTGCAGA-3'
Protein context (NP_002456.2, residues 407-427): IPGPKSRYRI[Arg417Lys]VEGKKHILII

ClinVar aggregate classification (germline): Conflicting classifications of pathogenicity. Review status: criteria provided, conflicting classifications (1 of 4 stars). 4 submissions from 4 submitters: Uncertain significance (1); Benign (1); Likely benign (2). Last evaluated 2026-06-01.

Conditions:
Arthrogryposis, distal, type 1B. Identifiers: Orphanet 1146, MedGen C3280526, MONDO:0013698, OMIM 614335.
Lethal congenital contracture syndrome 4 (LCCS4). Identifiers: MedGen C3554046, MONDO:0013965, OMIM 614915.
Myopathy, congenital, with tremor. Also called: myogenic tremor; CONGENITAL MYOPATHY 16. Identifiers: MedGen C5231401, MONDO:0032797, OMIM 618524.

Allele frequency attached by ClinVar (database versions not stated): 1000 Genomes Project 30x 0.00016; 1000 Genomes Project 0.00020; ExAC 0.00071; gnomAD exomes 0.00071 and 0.00172; gnomAD 0.00106 and 0.00111; TOPMed 0.00113; ESP Exome Variant Server 0.00131.
gnomAD v4.1: 2,727 of 1,613,898 alleles (0.17%); highest among the groups gnomAD compares: Non-Finnish European, 0.21%; no homozygotes.

Submissions (4):

CeGaT Center for Human Genetics Tuebingen
Classification: Likely benign. Last evaluated: 2026-06-01. Review status: criteria provided, single submitter. Criteria: CeGaT Center For Human Genetics Tuebingen Variant Classification Criteria Version 2. Collection method: clinical testing. Allele origin: germline. Affected: yes. Observed: 2 variant alleles.
Comment: MYBPC1: BP4

Labcorp Genetics (formerly Invitae), Labcorp
Classification: Likely benign. Last evaluated: 2021-01-25. Review status: criteria provided, single submitter. Criteria: Invitae Variant Classification Sherloc (09022015). Collection method: clinical testing. Allele origin: germline.

Department of Pathology and Laboratory Medicine, Sinai Health System
Classification: Uncertain significance for Arthrogryposis, distal, type 1B; Lethal congenital contracture syndrome 4; Myopathy, congenital, with tremor. Last evaluated: 2020-07-03. Review status: criteria provided, single submitter. Criteria: ACMG Guidelines, 2015. Collection method: research. Allele origin: germline.

Illumina Laboratory Services, Illumina
Classification: Benign for Arthrogryposis, distal, type 1B. Last evaluated: 2018-01-12. Review status: criteria provided, single submitter. Criteria: ICSL Variant Classification Criteria 13 December 2019. Collection method: clinical testing. Allele origin: germline.
Comment: This variant was observed in the ICSL laboratory as part of a predisposition screen in an ostensibly healthy population. It had not been previously curated by ICSL or reported in the Human Gene Mutation Database (HGMD: prior to June 1st, 2018), and was therefore a candidate for classification through an automated scoring system. Utilizing variant allele frequency, disease prevalence and penetrance estimates, and inheritance mode, an automated score was calculated to assess if this variant is too frequent to cause the disease. Based on the score and internal cut-off values, a variant classified as benign is not then subjected to further curation. The score for this variant resulted in a classification of benign for this disease.